The following is an entry in ClinVar:

NM_004484.4(GPC3):c.1209T>G (p.Ser403Arg)

Gene: GPC3 (glypican 3; minus strand). Cytogenetic location: Xq26.2.
Variant type: single nucleotide variant.
Coding change: c.1209T>G on transcript NM_004484.4 (MANE Select); coding-DNA position 1209, T replaced by G.
Protein change: p.Ser403Arg; replaces serine 403 with arginine.
Molecular consequence: missense variant.
Genome position (GRCh38, 1-based): chrX:133,692,452, A>C on the plus strand (T>G on the coding strand, the complement: GPC3 is on the minus strand). VCF-style: chrX-133692452-A-C. GRCh37 (hg19) VCF-style: chrX-132826480-A-C.
Other names: c.1278T>G, p.Ser426Arg (NM_001164617.2); c.1161T>G, p.Ser387Arg (NM_001164618.2); c.1047T>G, p.Ser349Arg (NM_001164619.2); short protein forms S349R, S387R, S403R, S426R.
Identifiers: ClinVar variation 1517299 (VCV001517299.8), dbSNP rs1456710707, ClinGen allele CA414705639.

ClinVar aggregate classification (germline): Uncertain significance (1 of 4 stars; one submission).

Conditions:
Wilms tumor 1 (WT1). Also called: Wilms tumor, somatic. Identifiers: Orphanet 654, MedGen CN033288, MONDO:0008679, OMIM 194070.

Submission:

Labcorp Genetics (formerly Invitae), Labcorp
Classification: Uncertain significance for Wilms tumor 1. Last evaluated: 2021-01-17. Review status: criteria provided, single submitter. Criteria: Invitae Variant Classification Sherloc (09022015). Collection method: clinical testing. Allele origin: germline.
Comment: This sequence change replaces serine with arginine at codon 403 of the GPC3 protein (p.Ser403Arg). The serine residue is moderately conserved and there is a moderate physicochemical difference between serine and arginine. This variant is not present in population databases (ExAC no frequency). This variant has not been reported in the literature in individuals with GPC3-related conditions. Algorithms developed to predict the effect of missense changes on protein structure and function are either unavailable or do not agree on the potential impact of this missense change (SIFT: "Deleterious"; PolyPhen-2: "Possibly Damaging"; Align-GVGD: "Class C0"). In summary, the available evidence is currently insufficient to determine the role of this variant in disease. Therefore, it has been classified as a Variant of Uncertain Significance.